The following is an entry in ClinVar:

NM_005359.6(SMAD4):c.*334C>T

Gene: SMAD4 (SMAD family member 4; plus strand). Cytogenetic location: 18q21.2.
Variant type: single nucleotide variant.
Coding change: c.*334C>T on transcript NM_005359.6 (MANE Select); 334 bases downstream of the stop codon, C replaced by T.
Molecular consequence: 3 prime UTR variant.
Genome position (GRCh38, 1-based): chr18:51,078,801, C>T. VCF-style: chr18-51078801-C-T. GRCh37 (hg19) VCF-style: chr18-48605171-C-T.
Identifiers: ClinVar variation 327117 (VCV000327117.5), dbSNP rs534790830, ClinGen allele CA10647766.

ClinVar aggregate classification (germline): Benign/Likely benign. Review status: criteria provided, single submitter (1 of 4 stars). 3 submissions from 1 submitter: Benign (2); Likely benign (1). Last evaluated 2018-01-13.

Conditions:
Myhre syndrome (MYHRS). Also called: LARYNGOTRACHEAL STENOSIS, ARTHROPATHY, PROGNATHISM, AND SHORT STATURE; LAPS SYNDROME. Identifiers: Orphanet 2588, MedGen C0796081, MONDO:0007688, OMIM 139210.
Generalized juvenile polyposis/juvenile polyposis coli. Also called: Juvenile polyposis coli. Identifiers: Orphanet 329971, MedGen C1868081, MONDO:0008276.
Juvenile polyposis/hereditary hemorrhagic telangiectasia syndrome (JPHT). Also called: JP/HHT SYNDROME; JUVENILE POLYPOSIS WITH HEREDITARY HEMORRHAGIC TELANGIECTASIA; POLYPOSIS, GENERALIZED JUVENILE, WITH PULMONARY ARTERIOVENOUS MALFORMATION; TELANGIECTASIA, HEREDITARY HEMORRHAGIC, WITH JUVENILE POLYPOSIS COLI; Juvenile Polyposis Syndrome / Hereditary Hemorrhagic Telangiectasia (JPS/HHT). Identifiers: Orphanet 2929, MedGen C1832942, MONDO:0008278, OMIM 175050.

Allele frequency attached by ClinVar (database versions not stated): gnomAD 0.00001 and 0.00011; TOPMed 0.00003; gnomAD exomes 0.00016; 1000 Genomes Project 30x 0.00094; 1000 Genomes Project 0.00120.
gnomAD v4.1: 41 of 325,136 alleles (0.013%); highest among the groups gnomAD compares: South Asian, 0.28%; 1 homozygote.

Submissions (3):

Illumina Laboratory Services, Illumina
Classification: Benign for Juvenile polyposis syndrome. Last evaluated: 2018-01-13. Review status: criteria provided, single submitter. Criteria: ICSL Variant Classification Criteria 13 December 2019. Collection method: clinical testing. Allele origin: germline.
Comment: This variant was observed in the ICSL laboratory as part of a predisposition screen in an ostensibly healthy population. It had not been previously curated by ICSL or reported in the Human Gene Mutation Database (HGMD: prior to June 1st, 2018), and was therefore a candidate for classification through an automated scoring system. Utilizing variant allele frequency, disease prevalence and penetrance estimates, and inheritance mode, an automated score was calculated to assess if this variant is too frequent to cause the disease. Based on the score and internal cut-off values, a variant classified as benign is not then subjected to further curation. The score for this variant resulted in a classification of benign for this disease.

Illumina Laboratory Services, Illumina
Classification: Benign for Myhre syndrome. Last evaluated: 2018-01-13. Review status: criteria provided, single submitter. Criteria: ICSL Variant Classification Criteria 13 December 2019. Collection method: clinical testing. Allele origin: germline.
Comment: the same text as in the submission from Illumina Laboratory Services, Illumina above.

Illumina Laboratory Services, Illumina
Classification: Likely benign for Juvenile polyposis/hereditary hemorrhagic telangiectasia syndrome. Last evaluated: 2018-01-13. Review status: criteria provided, single submitter. Criteria: ICSL Variant Classification Criteria 13 December 2019. Collection method: clinical testing. Allele origin: germline.
Comment: This variant was observed in the ICSL laboratory as part of a predisposition screen in an ostensibly healthy population. It had not been previously curated by ICSL or reported in the Human Gene Mutation Database (HGMD: prior to June 1st, 2018), and was therefore a candidate for classification through an automated scoring system. Utilizing variant allele frequency, disease prevalence and penetrance estimates, and inheritance mode, an automated score was calculated to assess if this variant is too frequent to cause the disease. Based on the score and internal cut-off values, a variant classified as likely benign is not then subjected to further curation. The score for this variant resulted in a classification of likely benign for this disease.